The following is an entry in ClinVar:

NM_021939.4(FKBP10):c.1015C>T (p.Arg339Trp)

Gene: FKBP10 (FKBP prolyl isomerase 10; plus strand). Cytogenetic location: 17q21.2.
Variant type: single nucleotide variant.
Coding change: c.1015C>T on transcript NM_021939.4 (MANE Select); coding-DNA position 1015, C replaced by T.
Protein change: p.Arg339Trp; replaces arginine 339 with tryptophan.
Molecular consequence: missense variant.
Genome position (GRCh38, 1-based): chr17:41,819,627, C>T. VCF-style: chr17-41819627-C-T. GRCh37 (hg19) VCF-style: chr17-39975879-C-T.
Other names: short protein forms R339W.
Identifiers: ClinVar variation 1313398 (VCV001313398.11), dbSNP rs377642451, ClinGen allele CA8566458.

ClinVar aggregate classification (germline): Conflicting classifications of pathogenicity. Review status: criteria provided, conflicting classifications (1 of 4 stars). 4 submissions from 4 submitters: Likely pathogenic (1); Uncertain significance (3). Last evaluated 2026-01-06.

Conditions:
Inborn genetic diseases. Identifiers: MedGen C0950123, MeSH D030342.

Allele frequency attached by ClinVar (database versions not stated): ESP Exome Variant Server 0.00008.

Submissions (4):

Labcorp Genetics (formerly Invitae), Labcorp
Classification: Likely pathogenic. Last evaluated: 2026-01-06. Review status: criteria provided, single submitter. Criteria: Invitae Variant Classification Sherloc (09022015). Collection method: clinical testing. Allele origin: germline.
Comment: This sequence change replaces arginine, which is basic and polar, with tryptophan, which is neutral and slightly polar, at codon 339 of the FKBP10 protein (p.Arg339Trp). This variant is present in population databases (rs377642451, gnomAD 0.1%). This missense change has been observed in individual(s) with FKBP10-related conditions (internal data). In at least one individual the data is consistent with being in trans (on the opposite chromosome) from a pathogenic variant. It has also been observed to segregate with disease in related individuals. ClinVar contains an entry for this variant (Variation ID: 1313398). Invitae Evidence Modeling of protein sequence and biophysical properties (such as structural, functional, and spatial information, amino acid conservation, physicochemical variation, residue mobility, and thermodynamic stability) has been performed for this missense variant. However, the output from this modeling did not meet the statistical confidence thresholds required to predict the impact of this variant on FKBP10 protein function. This variant disrupts the p.Arg339 amino acid residue in FKBP10. Other variant(s) that disrupt this residue have been observed in individuals with FKBP10-related conditions (PMID: 30715774), which suggests that this may be a clinically significant amino acid residue. In summary, the currently available evidence indicates that the variant is pathogenic, but additional data are needed to prove that conclusively. Therefore, this variant has been classified as Likely Pathogenic.

Blueprint Genetics
Classification: Uncertain significance. Last evaluated: 2024-10-17. Review status: criteria provided, single submitter. Criteria: ACMG Guidelines, 2015. Collection method: clinical testing. Allele origin: germline.

Ambry Genetics
Classification: Uncertain significance for Inborn genetic diseases. Last evaluated: 2022-12-01. Review status: criteria provided, single submitter. Criteria: Ambry Variant Classification Scheme 2023. Collection method: clinical testing. Allele origin: germline.

GeneDx
Classification: Uncertain significance. Last evaluated: 2020-10-19. Review status: criteria provided, single submitter. Criteria: GeneDx Variant Classification Process June 2021. Collection method: clinical testing. Allele origin: germline. Affected: yes.
Comment: In silico analysis supports that this missense variant has a deleterious effect on protein structure/function; Has not been previously published as pathogenic or benign to our knowledge

Literature cited by the submitters: PubMed 30715774 (cited by Labcorp Genetics (formerly Invitae), Labcorp).